The following is an entry in ClinVar:

ClinVar aggregate classification (germline): Uncertain significance (1 of 4 stars; one submission).

Conditions:
Benign neonatal seizures. Also called: Benign neonatal familial convulsions; Benign familial neonatal seizures; Convulsions benign familial neonatal dominant form; Autosomal dominant form of benign neonatal seizures; Benign familial neonatal epilepsy. Identifiers: Orphanet 1949, MedGen C0220669, MONDO:0016027.

Submission:

Labcorp Genetics (formerly Invitae), Labcorp
Classification: Uncertain significance for Benign neonatal seizures. Last evaluated: 2024-02-02. Review status: criteria provided, single submitter. Criteria: Invitae Variant Classification Sherloc (09022015). Collection method: clinical testing. Allele origin: germline.
Comment: This sequence change replaces glycine, which is neutral and non-polar, with aspartic acid, which is acidic and polar, at codon 251 of the KCNQ3 protein (p.Gly251Asp). This variant is not present in population databases (gnomAD no frequency). This variant has not been reported in the literature in individuals affected with KCNQ3-related conditions. Advanced modeling of protein sequence and biophysical properties (such as structural, functional, and spatial information, amino acid conservation, physicochemical variation, residue mobility, and thermodynamic stability) performed at Invitae indicates that this missense variant is expected to disrupt KCNQ3 protein function with a positive predictive value of 80%. In summary, the available evidence is currently insufficient to determine the role of this variant in disease. Therefore, it has been classified as a Variant of Uncertain Significance.

NM_004519.4(KCNQ3):c.752G>A (p.Gly251Asp)

Gene: KCNQ3 (potassium voltage-gated channel subfamily Q member 3; minus strand). Cytogenetic location: 8q24.22.
Variant type: single nucleotide variant.
Coding change: c.752G>A on transcript NM_004519.4 (MANE Select); coding-DNA position 752, G replaced by A.
Protein change: p.Gly251Asp; replaces glycine 251 with aspartic acid.
Molecular consequence: missense variant.
Genome position (GRCh38, 1-based): chr8:132,180,182, C>T on the plus strand (G>A on the coding strand, the complement: KCNQ3 is on the minus strand). VCF-style: chr8-132180182-C-T. GRCh37 (hg19) VCF-style: chr8-133192429-C-T.
Other names: c.392G>A, p.Gly131Asp (NM_001204824.2); short protein forms G131D, G251D.
Identifiers: ClinVar variation 3617115 (VCV003617115.2).
Genomic context (GRCh38, chr8:132,180,182, plus strand): 5'-CCCATGTGGTCCTGCAGTTTCTCCACCACACTTACTTTGCTGTGGGCACAGATGGCTGAG[C>T]CCAGAAGCTTCCAGGTGCCACCTCTCCGGTCCATCCGCAGCATGCGCAGGATCTGCAGGA-3'
Protein context (NP_004510.1, residues 241-261): DRRGGTWKLL[Gly251Asp]SAICAHSKEL